The following is an entry in ClinVar:

NM_014334.4(FRRS1L):c.-32G>A

Gene: FRRS1L (ferric chelate reductase 1 like; minus strand). Cytogenetic location: 9q31.3.
Variant type: single nucleotide variant.
Coding change: c.-32G>A on transcript NM_014334.4 (MANE Select); 32 bases upstream of the start codon, G replaced by A.
Molecular consequence: 5 prime UTR variant.
Genome position (GRCh38, 1-based): chr9:109,167,170, C>T on the plus strand (G>A on the coding strand, the complement: FRRS1L is on the minus strand). VCF-style: chr9-109167170-C-T. GRCh37 (hg19) VCF-style: chr9-111929450-C-T.
Identifiers: ClinVar variation 1409352 (VCV001409352.8), dbSNP rs1425792096, ClinGen allele CA374430828.

ClinVar aggregate classification (germline): Uncertain significance (1 of 4 stars; one submission).

Conditions:
Developmental and epileptic encephalopathy, 37 (DEE37). Also called: Epileptic encephalopathy, early infantile, 37. Identifiers: MedGen C4310770, MONDO:0014859, OMIM 616981.

Allele frequency attached by ClinVar (database versions not stated): gnomAD 0.00001; gnomAD exomes below 0.00001; TOPMed below 0.00001.
gnomAD v4.1: 5 of 1,146,990 alleles (0.00044%); highest among the groups gnomAD compares: Non-Finnish European, 0.00053%; no homozygotes.

Submission:

Labcorp Genetics (formerly Invitae), Labcorp
Classification: Uncertain significance for Developmental and epileptic encephalopathy, 37. Last evaluated: 2022-07-19. Review status: criteria provided, single submitter. Criteria: Invitae Variant Classification Sherloc (09022015). Collection method: clinical testing. Allele origin: germline.
Comment: In summary, the available evidence is currently insufficient to determine the role of this variant in disease. Therefore, it has been classified as a Variant of Uncertain Significance. Algorithms developed to predict the effect of missense changes on protein structure and function are either unavailable or do not agree on the potential impact of this missense change (SIFT: "Deleterious"; PolyPhen-2: "Not Available"; Align-GVGD: "Class C0"). ClinVar contains an entry for this variant (Variation ID: 1409352). This variant has not been reported in the literature in individuals affected with FRRS1L-related conditions. The frequency data for this variant in the population databases is considered unreliable, as metrics indicate insufficient coverage at this position in the gnomAD database. This sequence change replaces arginine, which is basic and polar, with glutamine, which is neutral and polar, at codon 41 of the FRRS1L protein (p.Arg41Gln).